The following is an entry in ClinVar:

NM_000094.4(COL7A1):c.4732G>A (p.Gly1578Ser)

Gene: COL7A1 (collagen type VII alpha 1 chain; minus strand). Cytogenetic location: 3p21.31.
Variant type: single nucleotide variant.
Coding change: c.4732G>A on transcript NM_000094.4 (MANE Select); coding-DNA position 4732, G replaced by A.
Protein change: p.Gly1578Ser; replaces glycine 1578 with serine.
Molecular consequence: missense variant.
Genome position (GRCh38, 1-based): chr3:48,581,623, C>T on the plus strand (G>A on the coding strand, the complement: COL7A1 is on the minus strand). VCF-style: chr3-48581623-C-T. GRCh37 (hg19) VCF-style: chr3-48619056-C-T.
Other names: short protein forms G1578S.
Identifiers: ClinVar variation 2154378 (VCV002154378.2), dbSNP rs1161630178, ClinGen allele CA352685091.
Genomic context (GRCh38, chr3:48,581,623, plus strand): 5'-ATTGATTCACCCGGTCTCCAGGGTCTCCCTTGGGGCCAGGGTCTCCAGGAAGAACCAAGC[C>T]GGGTGGGCCCTGTGGATGGAAGGATAAGAAGTCAGGAAGACAACCTTCACCAACTGCCCC-3'
Protein context (NP_000085.1, residues 1568-1588): TGVQGERGPP[Gly1578Ser]LVLPGDPGPK

ClinVar aggregate classification (germline): Uncertain significance. Review status: criteria provided, multiple submitters, no conflicts (2 of 4 stars). 2 submissions from 2 submitters: Uncertain significance (2). Last evaluated 2025-11-06.

Conditions:
Recessive dystrophic epidermolysis bullosa (RDEB). Also called: EPIDERMOLYSIS BULLOSA DYSTROPHICA, GENERALIZED SEVERE, AUTOSOMAL RECESSIVE; Recessive DEB (RDEB); DYSTROPHIC EPIDERMOLYSIS BULLOSA, AUTOSOMAL RECESSIVE; EPIDERMOLYSIS BULLOSA DYSTROPHICA, HALLOPEAU-SIEMENS TYPE; severe generalized recessive dystrophic epidermolysis bullosa; Hallopeau-Siemens Disease. Identifiers: Orphanet 79408, Orphanet 79409, MedGen C0079474, MONDO:0009179, OMIM 226600.

Allele frequency attached by ClinVar (database versions not stated): TOPMed below 0.00001; gnomAD exomes 0.00001; gnomAD 0.00003.
gnomAD v4.1: 18 of 1,614,200 alleles (0.0011%); highest among the groups gnomAD compares: East Asian, 0.0022%; no homozygotes.

Submissions (2):

Myriad Genetics, Inc.
Classification: Uncertain significance for Recessive dystrophic epidermolysis bullosa. Last evaluated: 2025-11-06. Review status: criteria provided, single submitter. Criteria: Myriad Autosomal Dominant, Autosomal Recessive and X-Linked Classification Criteria (2023). Collection method: clinical testing. Allele origin: unknown.
Comment: NM_000094.3(COL7A1):c.4732G>A(G1578S) is a missense variant classified as a variant of uncertain significance in the context of dystrophic epidermolysis bullosa. G1578S has not been observed in cases with relevant disease. Relevant functional assessments of this variant are not available in the literature. G1578S has been observed in referenced population frequency databases. In summary, there is insufficient evidence to classify NM_000094.3(COL7A1):c.4732G>A(G1578S) as pathogenic or benign. Please note: this variant was assessed in the context of healthy population screening.

Labcorp Genetics (formerly Invitae), Labcorp
Classification: Uncertain significance. Last evaluated: 2022-05-25. Review status: criteria provided, single submitter. Criteria: Invitae Variant Classification Sherloc (09022015). Collection method: clinical testing. Allele origin: germline.
Comment: This sequence change replaces glycine, which is neutral and non-polar, with serine, which is neutral and polar, at codon 1578 of the COL7A1 protein (p.Gly1578Ser). This variant is present in population databases (no rsID available, gnomAD 0.002%). This variant has not been reported in the literature in individuals affected with COL7A1-related conditions. Advanced modeling of protein sequence and biophysical properties (such as structural, functional, and spatial information, amino acid conservation, physicochemical variation, residue mobility, and thermodynamic stability) performed at Invitae indicates that this missense variant is expected to disrupt COL7A1 protein function. In summary, the available evidence is currently insufficient to determine the role of this variant in disease. Therefore, it has been classified as a Variant of Uncertain Significance.